The following is an entry in ClinVar:

NM_007294.4(BRCA1):c.2785_2788del (p.Phe929fs)

Gene: BRCA1 (BRCA1 DNA repair associated; minus strand). Cytogenetic location: 17q21.31.
Variant type: Deletion.
Coding change: c.2785_2788del on transcript NM_007294.4 (MANE Select); coding-DNA positions 2785 to 2788, 4 bases deleted (TTTC; older notation c.2785_2788delTTTC).
Protein change: p.Phe929fs; shifts the reading frame from phenylalanine 929.
Molecular consequence: frameshift variant. On other transcripts: intron variant (137).
Genome position (GRCh38, 1-based): chr17:43,092,743-43,092,746, GAAA deleted on the plus strand (TTTC on the coding strand, the reverse complement: BRCA1 is on the minus strand); deleting any 4 consecutive bases within chr17:43,092,743-43,092,747 gives the same sequence; the c. name uses the placement nearest the transcript's 3' end. VCF-style (leftmost placement, unchanged base first): chr17-43092742-GGAAA-G. GRCh37 (hg19) VCF-style: chr17-41244759-GGAAA-G.
Other names: c.644-1714_644-1711del (NM_001408464.1, NM_001408468.1, NM_001408465.1 and 3 more transcripts); c.524-1714_524-1711del (NM_001408498.1, NM_001408501.1, NM_001408500.1 and 3 more transcripts); c.647-1714_647-1711del (NM_001408467.1, NM_001408459.1, NM_001408455.1 and 11 more transcripts); c.584-1714_584-1711del (NM_001408475.1); c.710-1714_710-1711del (NM_001408412.1, NM_001408409.1, NM_001408414.1 and 2 more transcripts); c.452-1714_452-1711del (NM_001408509.1, NM_001408508.1); c.575-1714_575-1711del (NM_001408491.1, NM_001408493.1, NM_001408490.1); c.461-1714_461-1711del (NM_001408506.1, NM_001408507.1); and 41 more; short protein forms F761fs, F858fs, F861fs, F887fs, F818fs, F840fs, F888fs, F902fs.
Identifiers: ClinVar variation 3641635 (VCV003641635.2).

ClinVar aggregate classification (germline): Pathogenic (1 of 4 stars; one submission).

Conditions:
Hereditary breast ovarian cancer syndrome. Also called: BRCA1- and BRCA2-Associated Hereditary Breast and Ovarian Cancer; Hereditary breast and/or ovarian cancer syndrome; Hereditary breast and ovarian cancer syndrome; Hereditary breast and ovarian cancer syndrome (HBOC); Breast and ovarian cancer; Hereditary breast and ovarian cancer. Identifiers: Orphanet 145, MedGen C0677776, MeSH D061325, MONDO:0003582. Disease mechanism: loss of function.

Submission:

Labcorp Genetics (formerly Invitae), Labcorp
Classification: Pathogenic for Hereditary breast ovarian cancer syndrome. Last evaluated: 2024-02-17. Review status: criteria provided, single submitter. Criteria: Invitae Variant Classification Sherloc (09022015). Collection method: clinical testing. Allele origin: germline.
Comment: This sequence change creates a premature translational stop signal (p.Phe929Leufs*70) in the BRCA1 gene. It is expected to result in an absent or disrupted protein product. Loss-of-function variants in BRCA1 are known to be pathogenic (PMID: 20104584). This variant is not present in population databases (gnomAD no frequency). This variant has not been reported in the literature in individuals affected with BRCA1-related conditions. For these reasons, this variant has been classified as Pathogenic.

Literature cited by the submitters: PubMed 20104584.